The following is an entry in ClinVar:

NM_000426.4(LAMA2):c.4634del (p.Phe1545fs)

Gene: LAMA2 (laminin subunit alpha 2; plus strand). Cytogenetic location: 6q22.33.
Variant type: Deletion.
Coding change: c.4634del on transcript NM_000426.4 (MANE Select); coding-DNA position 4634, one base deleted (T; older notation c.4634delT).
Protein change: p.Phe1545fs; shifts the reading frame from phenylalanine 1545.
Molecular consequence: frameshift variant.
Genome position (GRCh38, 1-based): chr6:129,353,274, T deleted; the last of 2 consecutive T bases (chr6:129,353,273-129,353,274); deleting either gives the same sequence. VCF-style (leftmost placement, unchanged base first): chr6-129353272-AT-A. GRCh37 (hg19) VCF-style: chr6-129674417-AT-A.
Other names: c.4634del, p.Phe1545fs (NM_001079823.2); short protein forms F1545fs.
Identifiers: ClinVar variation 1449790 (VCV001449790.6), dbSNP rs2114593440, ClinGen allele CA2573140610.

ClinVar aggregate classification (germline): Pathogenic (1 of 4 stars; one submission).

Conditions:
LAMA2-related muscular dystrophy (LAMA2-RD). Also called: Laminin alpha 2-related dystrophy. Identifiers: MedGen C5679788, MONDO:0100228.

Submission:

Labcorp Genetics (formerly Invitae), Labcorp
Classification: Pathogenic for LAMA2-related muscular dystrophy. Last evaluated: 2021-05-26. Review status: criteria provided, single submitter. Criteria: Invitae Variant Classification Sherloc (09022015). Collection method: clinical testing. Allele origin: germline.
Comment: For these reasons, this variant has been classified as Pathogenic. This variant has not been reported in the literature in individuals with LAMA2-related conditions. This variant is not present in population databases (ExAC no frequency). This sequence change creates a premature translational stop signal (p.Phe1545Serfs*50) in the LAMA2 gene. It is expected to result in an absent or disrupted protein product. Loss-of-function variants in LAMA2 are known to be pathogenic (PMID: 18700894).

Literature cited by the submitters: PubMed 18700894.